The following is an entry in ClinVar:

NM_053025.4(MYLK):c.2598C>T (p.Gly866=)

Gene: MYLK (myosin light chain kinase; minus strand). Cytogenetic location: 3q21.1.
Variant type: single nucleotide variant.
Coding change: c.2598C>T on transcript NM_053025.4 (MANE Select); coding-DNA position 2598, C replaced by T.
Protein change: p.Gly866=; no amino-acid change (glycine 866 retained).
Molecular consequence: synonymous variant.
Genome position (GRCh38, 1-based): chr3:123,700,870, G>A on the plus strand (C>T on the coding strand, the complement: MYLK is on the minus strand). VCF-style: chr3-123700870-G-A. GRCh37 (hg19) VCF-style: chr3-123419717-G-A.
Other names: c.2070C>T, p.Gly690= (NM_001321309.2); c.2391C>T, p.Gly797= (NM_053026.4, NM_053028.4); c.2598C>T, p.Gly866= (NM_053027.4).
Identifiers: ClinVar variation 504282 (VCV000504282.15), dbSNP rs144654396, ClinGen allele CA068767.

ClinVar aggregate classification (germline): Likely benign. Review status: criteria provided, multiple submitters, no conflicts (2 of 4 stars). 4 submissions from 4 submitters: Likely benign (4). Last evaluated 2026-06-09.

Conditions:
Familial thoracic aortic aneurysm and aortic dissection (TAAD). Also called: Thoracic aortic aneurysms and dissections. Identifiers: Orphanet 91387, MedGen C4707243, MONDO:0019625.
Aortic aneurysm, familial thoracic 7 (AAT7). Also called: AORTIC DISSECTION, FAMILIAL, WITH OR WITHOUT AORTIC ANEURYSM. Identifiers: MedGen C3151077, MONDO:0013418, OMIM 613780.

Allele frequency attached by ClinVar (database versions not stated): gnomAD 0.00008; gnomAD exomes 0.00009 and 0.00005; TOPMed 0.00007; ESP Exome Variant Server 0.00015; ExAC 0.00005.
gnomAD v4.1: 146 of 1,613,184 alleles (0.0091%); highest among the groups gnomAD compares: Non-Finnish European, 0.011%; 1 homozygote.

Submissions (4):

Women's Health and Genetics/Laboratory Corporation of America, LabCorp
Classification: Likely benign. Last evaluated: 2026-06-09. Review status: criteria provided, single submitter. Criteria: LabCorp Variant Classification Summary - May 2015. Collection method: clinical testing. Allele origin: germline.
Comment: Variant summary: MYLK c.2598C>T results in a synonymous change. Several computational tools predict a significant impact on normal splicing: Four predict the variant creates a 5 donor site. However, these predictions have yet to be confirmed by functional studies. The variant allele was found at a frequency of 5.2e-05 in 250398 control chromosomes, predominantly at a frequency of 8.8e-05 within the Non-Finnish European subpopulation in the gnomAD database. The observed variant frequency within Non-Finnish European control individuals in the gnomAD database exceeds the estimated maximal expected allele frequency for disease-causing variants in MYLK. To our knowledge, no occurrence of c.2598C>T in individuals affected with MYLK-related conditions and no experimental evidence demonstrating its impact on protein function have been reported. ClinVar contains an entry for this variant (Variation ID: 504282). Based on the evidence outlined above, the variant was classified as likely benign.

Labcorp Genetics (formerly Invitae), Labcorp
Classification: Likely benign for Aortic aneurysm, familial thoracic 7. Last evaluated: 2025-12-08. Review status: criteria provided, single submitter. Criteria: Invitae Variant Classification Sherloc (09022015). Collection method: clinical testing. Allele origin: germline.

GeneDx
Classification: Likely benign. Last evaluated: 2023-07-27. Review status: criteria provided, single submitter. Criteria: GeneDx Variant Classification Process June 2021. Collection method: clinical testing. Allele origin: germline. Affected: yes.
Comment: See Variant Classification Assertion Criteria.

Ambry Genetics
Classification: Likely benign for Familial thoracic aortic aneurysm and aortic dissection. Last evaluated: 2020-12-31. Review status: criteria provided, single submitter. Criteria: Ambry Variant Classification Scheme 2023. Collection method: clinical testing. Allele origin: germline.